The following is an entry in ClinVar:

NM_000264.5(PTCH1):c.868G>T (p.Gly290Cys)

Gene: PTCH1 (patched 1; minus strand). Cytogenetic location: 9q22.32.
Variant type: single nucleotide variant.
Coding change: c.868G>T on transcript NM_000264.5 (MANE Select); coding-DNA position 868, G replaced by T.
Protein change: p.Gly290Cys; replaces glycine 290 with cysteine.
Molecular consequence: missense variant. On other transcripts: non-coding transcript variant (1).
Genome position (GRCh38, 1-based): chr9:95,480,467, C>A on the plus strand (G>T on the coding strand, the complement: PTCH1 is on the minus strand). VCF-style: chr9-95480467-C-A. GRCh37 (hg19) VCF-style: chr9-98242749-C-A.
Other names: c.670G>T, p.Gly224Cys (NM_001083602.3); c.865G>T, p.Gly289Cys (NM_001083603.3); c.415G>T, p.Gly139Cys (NM_001083604.3, NM_001083605.3, NM_001083606.3 and 1 more transcripts); c.868G>T, p.Gly290Cys (NM_001354918.2); short protein forms G139C, G289C, G290C, G224C.
Identifiers: ClinVar variation 4763251 (VCV004763251.1).

ClinVar aggregate classification (germline): Uncertain significance (1 of 4 stars; one submission).

Conditions:
Gorlin syndrome. Also called: Nevoid Basal Cell Carcinoma Syndrome; Basal cell nevus syndrome. Identifiers: Orphanet 377, MedGen C0004779, MONDO:0007187.

Submission:

Labcorp Genetics (formerly Invitae), Labcorp
Classification: Uncertain significance for Gorlin syndrome. Last evaluated: 2025-02-12. Review status: criteria provided, single submitter. Criteria: Invitae Variant Classification Sherloc (09022015). Collection method: clinical testing. Allele origin: germline.
Comment: This sequence change replaces glycine, which is neutral and non-polar, with cysteine, which is neutral and slightly polar, at codon 290 of the PTCH1 protein (p.Gly290Cys). This variant is not present in population databases (gnomAD no frequency). This variant has not been reported in the literature in individuals affected with PTCH1-related conditions. Invitae Evidence Modeling of protein sequence and biophysical properties (such as structural, functional, and spatial information, amino acid conservation, physicochemical variation, residue mobility, and thermodynamic stability) has been performed for this missense variant. However, the output from this modeling did not meet the statistical confidence thresholds required to predict the impact of this variant on PTCH1 protein function. In summary, the available evidence is currently insufficient to determine the role of this variant in disease. Therefore, it has been classified as a Variant of Uncertain Significance.